The following is an entry in ClinVar:

ClinVar aggregate classification (germline): Conflicting classifications of pathogenicity. Review status: criteria provided, conflicting classifications (1 of 4 stars). 2 submissions from 2 submitters: Uncertain significance (1); Likely benign (1). Last evaluated 2025-03-17.

Allele frequency attached by ClinVar (database versions not stated): TOPMed below 0.00001; gnomAD 0.00001 and 0.00002; gnomAD exomes 0.00004; ExAC 0.00006; 1000 Genomes Project 30x 0.00016; 1000 Genomes Project 0.00020.
gnomAD v4.1: 26 of 1,612,944 alleles (0.0016%); highest among the groups gnomAD compares: East Asian, 0.0067%; no homozygotes.

Submissions (2):

Labcorp Genetics (formerly Invitae), Labcorp
Classification: Uncertain significance. Last evaluated: 2025-03-17. Review status: criteria provided, single submitter. Criteria: Invitae Variant Classification Sherloc (09022015). Collection method: clinical testing. Allele origin: germline.
Comment: This sequence change affects codon 611 of the COL2A1 mRNA. It is a 'silent' change, meaning that it does not change the encoded amino acid sequence of the COL2A1 protein. It affects a nucleotide within the consensus splice site. This variant is present in population databases (rs545120998, gnomAD 0.008%). This variant has not been reported in the literature in individuals affected with COL2A1-related conditions. ClinVar contains an entry for this variant (Variation ID: 1015621). Algorithms developed to predict the effect of sequence changes on RNA splicing suggest that this variant is not likely to affect RNA splicing. In summary, the available evidence is currently insufficient to determine the role of this variant in disease. Therefore, it has been classified as a Variant of Uncertain Significance.

Blueprint Genetics
Classification: Likely benign. Last evaluated: 2024-03-26. Review status: criteria provided, single submitter. Criteria: ACMG Guidelines, 2015. Collection method: clinical testing. Allele origin: germline.

NM_001844.5(COL2A1):c.1833C>T (p.Asn611=)

Gene: COL2A1 (collagen type II alpha 1 chain; minus strand). Cytogenetic location: 12q13.11.
Variant type: single nucleotide variant.
Coding change: c.1833C>T on transcript NM_001844.5 (MANE Select); coding-DNA position 1833, C replaced by T.
Protein change: p.Asn611=; no amino-acid change (asparagine 611 retained).
Molecular consequence: synonymous variant.
Genome position (GRCh38, 1-based): chr12:47,984,995, G>A on the plus strand (C>T on the coding strand, the complement: COL2A1 is on the minus strand). VCF-style: chr12-47984995-G-A. GRCh37 (hg19) VCF-style: chr12-48378778-G-A.
Other names: c.1626C>T, p.Asn542= (NM_033150.3).
Identifiers: ClinVar variation 1015621 (VCV001015621.10), dbSNP rs545120998, ClinGen allele CA6535371.